The following is an entry in ClinVar:

NM_016580.4(PCDH12):c.850A>G (p.Ser284Gly)

Genes: PCDH12 (protocadherin 12; minus strand), RNF14 (ring finger protein 14; plus strand). Cytogenetic location: 5q31.3.
Variant type: single nucleotide variant.
Coding change: c.850A>G on transcript NM_016580.4 (MANE Select); coding-DNA position 850, A replaced by G.
Protein change: p.Ser284Gly; replaces serine 284 with glycine.
Molecular consequence: missense variant.
Genome position (GRCh38, 1-based): chr5:141,957,002, T>C on the plus strand (A>G on the coding strand, the complement: PCDH12 is on the minus strand). VCF-style: chr5-141957002-T-C. GRCh37 (hg19) VCF-style: chr5-141336567-T-C.
Other names: p.Ser284Gly; short protein forms S284G.
Identifiers: ClinVar variation 777397 (VCV000777397.29), dbSNP rs78397925, ClinGen allele CA3484498.

ClinVar aggregate classification (germline): Benign/Likely benign. Review status: criteria provided, multiple submitters, no conflicts (2 of 4 stars). 5 submissions from 5 submitters: Benign (1); Likely benign (3). 1 of the submissions does not count toward it. Last evaluated 2026-01-12.

Conditions:
PCDH12-related disorder. Also called: PCDH12-related condition.

Allele frequency attached by ClinVar (database versions not stated): 1000 Genomes Project 0.00180; 1000 Genomes Project 30x 0.00219; TOPMed 0.00352; gnomAD 0.00380 and 0.00394; ESP Exome Variant Server 0.00431; gnomAD exomes 0.00448 and 0.00575; ExAC 0.00460.
gnomAD v4.1: 8,898 of 1,614,200 alleles (0.55%); highest among the groups gnomAD compares: Non-Finnish European, 0.64%; 29 homozygotes.

Submissions (13):

Labcorp Genetics (formerly Invitae), Labcorp
Classification: Likely benign. Last evaluated: 2026-01-12. Review status: criteria provided, single submitter. Criteria: Invitae Variant Classification Sherloc (09022015). Collection method: clinical testing. Allele origin: germline.

CeGaT Center for Human Genetics Tuebingen
Classification: Likely benign. Last evaluated: 2024-12-01. Review status: criteria provided, single submitter. Criteria: CeGaT Center For Human Genetics Tuebingen Variant Classification Criteria Version 2. Collection method: clinical testing. Allele origin: germline. Affected: yes. Observed: 1 variant allele.
Comment: PCDH12: BP4, BS2

Mayo Clinic Laboratories, Mayo Clinic
Classification: Benign. Last evaluated: 2023-05-10. Review status: criteria provided, single submitter. Criteria: ACMG Guidelines, 2015. Collection method: clinical testing. Allele origin: germline. Observed: 2 variant alleles.
Comment: BS1, BS2, BP4

Breakthrough Genomics
Classification: Likely benign. Review status: criteria provided, single submitter. Criteria: ACMG Guidelines, 2015. Collection method: not provided. Allele origin: germline. Inheritance: Autosomal recessive inheritance. Affected: yes.

PreventionGenetics, part of Exact Sciences
Classification: Likely benign for PCDH12-related condition. Last evaluated: 2019-06-06. Review status: no assertion criteria provided. Collection method: clinical testing. Allele origin: germline. Not counted in ClinVar's aggregate classification.
Comment: This variant is classified as likely benign based on ACMG/AMP sequence variant interpretation guidelines (Richards et al. 2015 PMID: 25741868, with internal and published modifications).

Dr. Peter K. Rogan Lab, Western University
No classification provided (evidence only). Condition: Cervical cancer. Review status: no classification provided. Collection method: in vitro. Allele origin: not applicable. Functional consequence: retained intron. Not counted in ClinVar's aggregate classification.

Dr. Peter K. Rogan Lab, Western University
No classification provided (evidence only). Condition: Hepatocellular carcinoma. Review status: no classification provided. Collection method: in vitro. Allele origin: not applicable. Functional consequence: retained intron. Not counted in ClinVar's aggregate classification.

Dr. Peter K. Rogan Lab, Western University
No classification provided (evidence only). Condition: Ovarian serous cystadenocarcinoma. Review status: no classification provided. Collection method: in vitro. Allele origin: not applicable. Functional consequence: retained intron. Not counted in ClinVar's aggregate classification.

Dr. Peter K. Rogan Lab, Western University
No classification provided (evidence only). Condition: Ovarian serous cystadenocarcinoma. Review status: no classification provided. Collection method: in vitro. Allele origin: not applicable. Functional consequence: retained intron. Not counted in ClinVar's aggregate classification.

Dr. Peter K. Rogan Lab, Western University
No classification provided (evidence only). Condition: Ovarian serous cystadenocarcinoma. Review status: no classification provided. Collection method: in vitro. Allele origin: not applicable. Functional consequence: retained intron. Not counted in ClinVar's aggregate classification.

Dr. Peter K. Rogan Lab, Western University
No classification provided (evidence only). Condition: Gastric cancer. Review status: no classification provided. Collection method: in vitro. Allele origin: not applicable. Functional consequence: retained intron. Not counted in ClinVar's aggregate classification.

Dr. Peter K. Rogan Lab, Western University
No classification provided (evidence only). Condition: Adrenocortical carcinoma, hereditary. Review status: no classification provided. Collection method: in vitro. Allele origin: not applicable. Functional consequence: retained intron. Not counted in ClinVar's aggregate classification.

Dr. Peter K. Rogan Lab, Western University
No classification provided (evidence only). Condition: Ovarian cancer. Review status: no classification provided. Collection method: in vitro. Allele origin: not applicable. Functional consequence: retained intron. Not counted in ClinVar's aggregate classification.